The following is an entry in ClinVar:

ClinVar aggregate classification (germline): Uncertain significance (1 of 4 stars; one submission).

Allele frequency attached by ClinVar (database versions not stated): gnomAD exomes 0.00001.
gnomAD v4.1: 3 of 1,534,932 alleles (0.0002%); highest among the groups gnomAD compares: South Asian, 0.0012%; no homozygotes.

Submission:

Labcorp Genetics (formerly Invitae), Labcorp
Classification: Uncertain significance. Last evaluated: 2024-01-29. Review status: criteria provided, single submitter. Criteria: Invitae Variant Classification Sherloc (09022015). Collection method: clinical testing. Allele origin: germline.
Comment: This sequence change replaces serine, which is neutral and polar, with leucine, which is neutral and non-polar, at codon 291 of the CDK13 protein (p.Ser291Leu). The frequency data for this variant in the population databases is considered unreliable, as metrics indicate poor data quality at this position in the gnomAD database. This variant has not been reported in the literature in individuals affected with CDK13-related conditions. Advanced modeling of protein sequence and biophysical properties (such as structural, functional, and spatial information, amino acid conservation, physicochemical variation, residue mobility, and thermodynamic stability) performed at Invitae indicates that this missense variant is not expected to disrupt CDK13 protein function with a negative predictive value of 80%. In summary, the available evidence is currently insufficient to determine the role of this variant in disease. Therefore, it has been classified as a Variant of Uncertain Significance.

NM_003718.5(CDK13):c.872C>T (p.Ser291Leu)

Gene: CDK13 (cyclin dependent kinase 13; plus strand). Cytogenetic location: 7p14.1.
Variant type: single nucleotide variant.
Coding change: c.872C>T on transcript NM_003718.5 (MANE Select); coding-DNA position 872, C replaced by T.
Protein change: p.Ser291Leu; replaces serine 291 with leucine.
Molecular consequence: missense variant.
Genome position (GRCh38, 1-based): chr7:39,951,513, C>T. VCF-style: chr7-39951513-C-T. GRCh37 (hg19) VCF-style: chr7-39991112-C-T.
Other names: c.872C>T, p.Ser291Leu (NM_031267.4); short protein forms S291L.
Identifiers: ClinVar variation 2763133 (VCV002763133.3), dbSNP rs1476149092, ClinGen allele CA367310697.